The following is an entry in ClinVar:

ClinVar aggregate classification (germline): Uncertain significance (1 of 4 stars; one submission).

Submission:

CeGaT Center for Human Genetics Tuebingen
Classification: Uncertain significance. Last evaluated: 2023-06-01. Review status: criteria provided, single submitter. Criteria: CeGaT Center For Human Genetics Tuebingen Variant Classification Criteria Version 2. Collection method: clinical testing. Allele origin: germline. Affected: yes. Observed: 1 variant allele.
Comment: TNPO2: PM2, PVS1:Moderate

NM_001382241.1(TNPO2):c.2412-1_2412delinsCT

Genes: TNPO2 (transportin 2; minus strand), LOC126862859 (CDK7 strongly-dependent group 2 enhancer GRCh37_chr19:12811952-12813151; plus strand). Cytogenetic location: 19p13.13.
Variant type: Indel.
Coding change: c.2412-1_2412delinsCT on transcript NM_001382241.1 (MANE Select); the canonical splice acceptor site of the intron before coding-DNA position 2412 through coding-DNA position 2412, GG replaced by CT.
Molecular consequence: splice acceptor variant.
Genome position (GRCh38, 1-based): chr19:12,701,851-12,701,852, CC replaced by AG on the plus strand (GG replaced by CT on the coding strand, the reverse complement: TNPO2 is on the minus strand). VCF-style: chr19-12701851-CC-AG. GRCh37 (hg19) VCF-style: chr19-12812665-CC-AG.
Other names: c.2382-1_2382delinsCT (NM_001382237.1, NM_001382238.1, NM_001382236.1 and 3 more transcripts); c.2412-1_2412delinsCT (NM_001382240.1, NM_001136196.2, NM_001382242.1); c.2376-1_2376delinsCT (NM_001382243.1).
Identifiers: ClinVar variation 2571031 (VCV002571031.27), dbSNP rs2512609315, ClinGen allele CA2580613061.